The following is an entry in ClinVar:

ClinVar aggregate classification (germline): Pathogenic (1 of 4 stars; one submission).

Submission:

Labcorp Genetics (formerly Invitae), Labcorp
Classification: Pathogenic. Last evaluated: 2019-11-10. Review status: criteria provided, single submitter. Criteria: Invitae Variant Classification Sherloc (09022015). Collection method: clinical testing. Allele origin: germline.
Comment: This variant is an out-of-frame deletion of the genomic region encompassing exons 15-19 of the EYS gene. This is expected to create a premature translational stop signal and result in an absent or disrupted protein product. Similar deletions have been observed in individuals affected with retinitis pigmentosa, and one such deletion has been observed to segregate with this condition in a family (PMID: 18836446, 28704921). Loss-of-function variants in EYS are known to be pathogenic (PMID: 18836446, 20333770). For these reasons, this variant has been classified as Pathogenic.

Literature cited by the submitters: PubMed 18836446; PubMed 28704921.

NC_000006.12:g.(?_64886697)_(64945914_?)del

Gene: EYS (eyes shut homolog; minus strand). Cytogenetic location: 6q12.
Variant type: Deletion.
Identifiers: ClinVar variation 833021 (VCV000833021.1).